The following is an entry in ClinVar:

ClinVar aggregate classification (germline): Likely benign. Review status: criteria provided, multiple submitters, no conflicts (2 of 4 stars). 3 submissions from 3 submitters: Likely benign (3). Last evaluated 2025-11-11.

Conditions:
SNRNP200-related disorder. Also called: SNRNP200-related condition.

Allele frequency attached by ClinVar (database versions not stated): gnomAD 0.00001 and 0.00002; TOPMed 0.00002; gnomAD exomes 0.00004; ExAC 0.00006; ESP Exome Variant Server 0.00008; 1000 Genomes Project 30x 0.00016; 1000 Genomes Project 0.00020.
gnomAD v4.1: 37 of 1,613,756 alleles (0.0023%); highest among the groups gnomAD compares: Admixed American, 0.005%; no homozygotes.

Submissions (3):

Labcorp Genetics (formerly Invitae), Labcorp
Classification: Likely benign. Last evaluated: 2025-11-11. Review status: criteria provided, single submitter. Criteria: Invitae Variant Classification Sherloc (09022015). Collection method: clinical testing. Allele origin: germline.

PreventionGenetics, part of Exact Sciences
Classification: Likely benign for SNRNP200-related condition. Last evaluated: 2025-01-27. Review status: criteria provided, single submitter. Criteria: ACMG Guidelines, 2015. Collection method: clinical testing. Allele origin: germline.
Comment: This variant is classified as likely benign based on ACMG/AMP sequence variant interpretation guidelines (Richards et al. 2015 PMID: 25741868, with internal and published modifications).

Blueprint Genetics
Classification: Likely benign. Last evaluated: 2024-06-11. Review status: criteria provided, single submitter. Criteria: ACMG Guidelines, 2015. Collection method: clinical testing. Allele origin: germline.

NM_014014.5(SNRNP200):c.4915+14C>T

Gene: SNRNP200 (small nuclear ribonucleoprotein U5 subunit 200; minus strand). Cytogenetic location: 2q11.2.
Variant type: single nucleotide variant.
Coding change: c.4915+14C>T on transcript NM_014014.5 (MANE Select); 14 bases into the intron after coding-DNA position 4915, C replaced by T.
Molecular consequence: intron variant.
Genome position (GRCh38, 1-based): chr2:96,283,187, G>A on the plus strand (C>T on the coding strand, the complement: SNRNP200 is on the minus strand). VCF-style: chr2-96283187-G-A. GRCh37 (hg19) VCF-style: chr2-96948925-G-A.
Other names: c.4915+14C>T (NM_014014.4).
Identifiers: ClinVar variation 1559790 (VCV001559790.10), dbSNP rs150854667, ClinGen allele CA1778110.